The following is an entry in ClinVar:

ClinVar aggregate classification (germline): Uncertain significance (1 of 4 stars; one submission).

Submission:

Women's Health and Genetics/Laboratory Corporation of America, LabCorp
Classification: Uncertain significance. Last evaluated: 2026-01-19. Review status: criteria provided, single submitter. Criteria: LabCorp Variant Classification Summary - May 2015. Collection method: clinical testing. Allele origin: germline.
Comment: Variant summary: ADGRL1 c.3895G>A (p.Ala1299Thr) results in a non-conservative amino acid change in the encoded protein sequence. Algorithms developed to predict the effect of missense changes on protein structure and function are either unavailable or do not agree on the potential impact of this missense change. The variant allele was found at a frequency of 8.5e-06 in 235622 control chromosomes. The available data on variant occurrences in the general population are insufficient to allow any conclusion about variant significance. To our knowledge, no occurrence of c.3895G>A in individuals affected with ADGRL1-related conditions and no experimental evidence demonstrating its impact on protein function have been reported. No submitters have cited clinical-significance assessments for this variant to ClinVar. Based on the evidence outlined above, the variant was classified as uncertain significance.

NM_014921.5(ADGRL1):c.3880G>A (p.Ala1294Thr)

Genes: ADGRL1 (adhesion G protein-coupled receptor L1; minus strand), ADGRL1-AS1 (ADGRL1 antisense RNA 1; plus strand). Cytogenetic location: 19p13.12.
Variant type: single nucleotide variant.
Coding change: c.3880G>A on transcript NM_014921.5 (MANE Select); coding-DNA position 3880, G replaced by A.
Protein change: p.Ala1294Thr; replaces alanine 1294 with threonine.
Molecular consequence: missense variant.
Genome position (GRCh38, 1-based): chr19:14,151,403, C>T on the plus strand (G>A on the coding strand, the complement: ADGRL1 is on the minus strand). VCF-style: chr19-14151403-C-T. GRCh37 (hg19) VCF-style: chr19-14262215-C-T.
Other names: c.3895G>A, p.Ala1299Thr (NM_001008701.3); short protein forms A1294T, A1299T.
Identifiers: ClinVar variation 4689249 (VCV004689249.1).